The following is an entry in ClinVar:

NM_002299.4(LCT):c.1396G>T (p.Gly466Trp)

Genes: LCT (lactase; minus strand), LOC126806353 (BRD4-independent group 4 enhancer GRCh37_chr2:136574960-136576159; plus strand). Cytogenetic location: 2q21.3.
Variant type: single nucleotide variant.
Coding change: c.1396G>T on transcript NM_002299.4 (MANE Select); coding-DNA position 1396, G replaced by T.
Protein change: p.Gly466Trp; replaces glycine 466 with tryptophan.
Molecular consequence: missense variant.
Genome position (GRCh38, 1-based): chr2:135,817,652, C>A on the plus strand (G>T on the coding strand, the complement: LCT is on the minus strand). VCF-style: chr2-135817652-C-A. GRCh37 (hg19) VCF-style: chr2-136575222-C-A.
Other names: c.1396G>T (LRG_338t1); short protein forms G466W.
Identifiers: ClinVar variation 331203 (VCV000331203.7), dbSNP rs377102890, ClinGen allele CA1888395.

ClinVar aggregate classification (germline): Uncertain significance (1 of 4 stars; one submission).

Allele frequency attached by ClinVar (database versions not stated): TOPMed 0.00005; gnomAD 0.00006; ESP Exome Variant Server 0.00008.

Submission:

Labcorp Genetics (formerly Invitae), Labcorp
Classification: Uncertain significance. Last evaluated: 2021-12-17. Review status: criteria provided, single submitter. Criteria: Invitae Variant Classification Sherloc (09022015). Collection method: clinical testing. Allele origin: germline.
Comment: This sequence change replaces glycine, which is neutral and non-polar, with tryptophan, which is neutral and slightly polar, at codon 466 of the LCT protein (p.Gly466Trp). This variant is present in population databases (rs377102890, gnomAD 0.009%). This variant has not been reported in the literature in individuals affected with LCT-related conditions. ClinVar contains an entry for this variant (Variation ID: 331203). Algorithms developed to predict the effect of missense changes on protein structure and function are either unavailable or do not agree on the potential impact of this missense change (SIFT: "Not Available"; PolyPhen-2: "Benign"; Align-GVGD: "Not Available"). In summary, the available evidence is currently insufficient to determine the role of this variant in disease. Therefore, it has been classified as a Variant of Uncertain Significance.